The following is an entry in ClinVar:

ClinVar aggregate classification (germline): Likely benign. Review status: criteria provided, multiple submitters, no conflicts (2 of 4 stars). 2 submissions from 2 submitters: Likely benign (2). Last evaluated 2025-06-01.

Conditions:
Myopathy, centronuclear, 2 (CNM2). Also called: MYOTUBULAR MYOPATHY, AUTOSOMAL RECESSIVE. Identifiers: Orphanet 169186, MedGen CN031787, MONDO:0009709, OMIM 255200.

Allele frequency attached by ClinVar (database versions not stated): gnomAD exomes below 0.00001 and 0.00001; ExAC 0.00001; gnomAD 0.00001; TOPMed 0.00002.
gnomAD v4.1: 10 of 1,613,674 alleles (0.00062%); highest among the groups gnomAD compares: Middle Eastern, 0.016%; no homozygotes.

Submissions (2):

CeGaT Center for Human Genetics Tuebingen
Classification: Likely benign. Last evaluated: 2025-06-01. Review status: criteria provided, single submitter. Criteria: CeGaT Center For Human Genetics Tuebingen Variant Classification Criteria Version 2. Collection method: clinical testing. Allele origin: germline. Affected: yes. Observed: 1 variant allele.
Comment: BIN1: BP4, BP7

Labcorp Genetics (formerly Invitae), Labcorp
Classification: Likely benign for Myopathy, centronuclear, 2. Last evaluated: 2024-01-29. Review status: criteria provided, single submitter. Criteria: Invitae Variant Classification Sherloc (09022015). Collection method: clinical testing. Allele origin: germline.

NM_139343.3(BIN1):c.570G>T (p.Leu190=)

Gene: BIN1 (bridging integrator 1; minus strand). Cytogenetic location: 2q14.3.
Variant type: single nucleotide variant.
Coding change: c.570G>T on transcript NM_139343.3 (MANE Select); coding-DNA position 570, G replaced by T.
Protein change: p.Leu190=; no amino-acid change (leucine 190 retained).
Molecular consequence: synonymous variant. On other transcripts: intron variant (10).
Genome position (GRCh38, 1-based): chr2:127,068,205, C>A on the plus strand (G>T on the coding strand, the complement: BIN1 is on the minus strand). VCF-style: chr2-127068205-C-A. GRCh37 (hg19) VCF-style: chr2-127825781-C-A.
Other names: c.570G>T, p.Leu190= (NM_001320633.2, NM_001320640.2, NM_139344.3 and 1 more transcripts); c.489G>T, p.Leu163= (NM_001320642.1); c.447+719G>T (NM_001320634.1); c.519+719G>T (NM_139351.3, NM_139350.3, NM_139349.3 and 6 more transcripts).
Identifiers: ClinVar variation 1158799 (VCV001158799.17), dbSNP rs767620839, ClinGen allele CA1857431.
Genomic context (GRCh38, chr2:127,068,205, plus strand): 5'-GTTAGAAGCCAGTGTCACCTGATTTCGGAGCAGGTTAGTTTGAGCTACGAGATGAGCCTG[C>A]AGTTTGCCTTGGCACCACTGGGGGGCGGCTTTCTCAAGCAGCGAGACAGGCTGGGGTGGG-3'
Protein context (NP_647593.1, residues 180-200): KAAPQWCQGK[Leu190=]QAHLVAQTNL